The following is an entry in ClinVar:

ClinVar aggregate classification (germline): Uncertain significance (1 of 4 stars; one submission).

Conditions:
Succinate-semialdehyde dehydrogenase deficiency (SSADHD). Also called: Succinic Semialdehyde Dehydrogenase Deficiency; 4-HYDROXYBUTYRIC ACIDURIA; GABA METABOLIC DEFECT; SSADH DEFICIENCY. Identifiers: Orphanet 22, MedGen C0268631, MONDO:0010083, OMIM 271980.

Submission:

Institute of Human Genetics, University of Leipzig Medical Center
Classification: Uncertain significance for Succinate-semialdehyde dehydrogenase deficiency. Last evaluated: 2025-10-29. Review status: criteria provided, single submitter. Criteria: ACMG Guidelines, 2015. Collection method: clinical testing. Allele origin: unknown. Inheritance: Autosomal recessive inheritance. Affected: yes.
Comment: Criteria applied: PM1,PM2,PP3; Identified as compund heterozygous with NM_001080.3:c.870+1G>T

NM_001080.3(ALDH5A1):c.508G>A (p.Glu170Lys)

Gene: ALDH5A1 (aldehyde dehydrogenase 5 family member A1; plus strand). Cytogenetic location: 6p22.3.
Variant type: single nucleotide variant.
Coding change: c.508G>A on transcript NM_001080.3 (MANE Select); coding-DNA position 508, G replaced by A.
Protein change: p.Glu170Lys; replaces glutamic acid 170 with lysine.
Molecular consequence: missense variant.
Genome position (GRCh38, 1-based): chr6:24,503,332, G>A. VCF-style: chr6-24503332-G-A. GRCh37 (hg19) VCF-style: chr6-24503560-G-A.
Other names: c.508G>A, p.Glu170Lys (NM_001368954.1, NM_170740.1); short protein forms E170K.
Identifiers: ClinVar variation 4530586 (VCV004530586.1).